The following is an entry in ClinVar:

NM_152564.5(VPS13B):c.10827C>G (p.Ala3609=)

Gene: VPS13B (vacuolar protein sorting 13 homolog B; plus strand). Cytogenetic location: 8q22.2.
Variant type: single nucleotide variant.
Coding change: c.10827C>G on transcript NM_152564.5 (MANE Select); coding-DNA position 10827, C replaced by G.
Protein change: p.Ala3609=; no amino-acid change (alanine 3609 retained).
Molecular consequence: synonymous variant.
Genome position (GRCh38, 1-based): chr8:99,854,216, C>G. VCF-style: chr8-99854216-C-G. GRCh37 (hg19) VCF-style: chr8-100866444-C-G.
Other names: c.10902C>G, p.Ala3634= (NM_017890.5).
Identifiers: ClinVar variation 1150109 (VCV001150109.10), dbSNP rs765577341, ClinGen allele CA4825025.
Genomic context (GRCh38, chr8:99,854,216, plus strand): 5'-CTCCTTCTCGGTGTTTGAAAGAGGACCCATCTTCACCACTGCGAGGCAGCTTGTGCACGC[C>G]CTGGCAATGCACTATGCCGCTGGGGCCCTTTTTAGAGCAGGTAAGAACACAAGCTGAGGG-3'
Protein context (NP_689777.3, residues 3599-3619): IFTTARQLVH[Ala3609=]LAMHYAAGAL

ClinVar aggregate classification (germline): Likely benign. Review status: criteria provided, multiple submitters, no conflicts (2 of 4 stars). 2 submissions from 2 submitters: Likely benign (2). Last evaluated 2026-07-01.

Conditions:
Cohen syndrome (COH1). Also called: PEPPER SYNDROME; Cutis verticis gyrata, retinitis pigmentosa, and sensorineural deafness. Identifiers: Orphanet 193, MedGen C0265223, MONDO:0008999, OMIM 216550.

Allele frequency attached by ClinVar (database versions not stated): gnomAD exomes 0.00002; gnomAD 0.00003; ExAC 0.00004.
gnomAD v4.1: 37 of 1,613,960 alleles (0.0023%); highest among the groups gnomAD compares: African/African-American, 0.004%; no homozygotes.

Submissions (2):

CeGaT Center for Human Genetics Tuebingen
Classification: Likely benign. Last evaluated: 2026-07-01. Review status: criteria provided, single submitter. Criteria: CeGaT Center For Human Genetics Tuebingen Variant Classification Criteria Version 2. Collection method: clinical testing. Allele origin: germline. Affected: yes. Observed: 1 variant allele.
Comment: VPS13B: BP4, BP7

Labcorp Genetics (formerly Invitae), Labcorp
Classification: Likely benign for Cohen syndrome. Last evaluated: 2024-11-20. Review status: criteria provided, single submitter. Criteria: Invitae Variant Classification Sherloc (09022015). Collection method: clinical testing. Allele origin: germline.